The following is an entry in ClinVar:

ClinVar aggregate classification (germline): Pathogenic (1 of 4 stars; one submission).

Conditions:
Hereditary cancer-predisposing syndrome. Also called: Neoplastic Syndromes, Hereditary; Tumor predisposition; Hereditary neoplastic syndrome; Hereditary Cancer Syndrome. Identifiers: Orphanet 140162, MedGen C0027672, MeSH D009386, MONDO:0015356.

Submission:

Ambry Genetics
Classification: Pathogenic for Hereditary cancer-predisposing syndrome. Last evaluated: 2026-06-29. Review status: criteria provided, single submitter. Criteria: Ambry Variant Classification Scheme 2023. Collection method: clinical testing. Allele origin: germline.
Comment: The c.4807delT pathogenic mutation, located in coding exon 31 of the ATM gene, results from a deletion of one nucleotide at nucleotide position 4807, causing a translational frameshift with a predicted alternate stop codon (p.Y1603Mfs*6). This variant is considered to be rare based on population cohorts in the Genome Aggregation Database (gnomAD). This variant is expected to result in loss of function by premature protein truncation or nonsense-mediated mRNA decay. As such, this variant is interpreted as a disease-causing mutation.

NM_000051.4(ATM):c.4807del (p.Tyr1603fs)

Gene: ATM (ATM serine/threonine kinase; plus strand). Cytogenetic location: 11q22.3.
Variant type: Deletion.
Coding change: c.4807del on transcript NM_000051.4 (MANE Select); coding-DNA position 4807, one base deleted (T; older notation c.4807delT).
Protein change: p.Tyr1603fs; shifts the reading frame from tyrosine 1603.
Molecular consequence: frameshift variant.
Genome position (GRCh38, 1-based): chr11:108,294,957, T deleted; the last of 3 consecutive T bases (chr11:108,294,955-108,294,957); deleting any one gives the same sequence. VCF-style (leftmost placement, unchanged base first): chr11-108294954-GT-G. GRCh37 (hg19) VCF-style: chr11-108165681-GT-G.
Other names: c.4807del, p.Tyr1603fs (NM_001351834.2); short protein forms Y1603fs.
Identifiers: ClinVar variation 5031329 (VCV005031329.1).